The following is an entry in ClinVar:

ClinVar aggregate classification (germline): Likely benign. Review status: criteria provided, multiple submitters, no conflicts (2 of 4 stars). 4 submissions from 4 submitters: Likely benign (4). Last evaluated 2026-01-27.

Conditions:
Hereditary cancer-predisposing syndrome. Also called: Tumor predisposition; Neoplastic Syndromes, Hereditary; Hereditary Cancer Syndrome; Hereditary neoplastic syndrome. Identifiers: Orphanet 140162, MedGen C0027672, MeSH D009386, MONDO:0015356.
Familial cancer of breast. Also called: Hereditary breast cancer; BREAST CANCER, FAMILIAL; hereditary breast carcinoma. Identifiers: Orphanet 227535, MedGen C0346153, MONDO:0016419, OMIM 114480. Disease mechanism: loss of function.
Ataxia-telangiectasia syndrome (AT). Also called: Ataxia-telangiectasia; Cerebello-oculocutaneous telangiectasia; Immunodeficiency with ataxia telangiectasia; ATAXIA-TELANGIECTASIA, COMPLEMENTATION GROUP A; ATAXIA-TELANGIECTASIA, FRESNO VARIANT; Ataxia-telangiectasia, complementation group D. Identifiers: Orphanet 100, MedGen C0004135, MONDO:0008840, OMIM 208900.

Allele frequency attached by ClinVar (database versions not stated): ExAC 0.00001; gnomAD exomes 0.00001.
gnomAD v4.1: 15 of 1,590,218 alleles (0.00094%); highest among the groups gnomAD compares: Middle Eastern, 0.019%; no homozygotes.

Submissions (4):

Labcorp Genetics (formerly Invitae), Labcorp
Classification: Likely benign for Ataxia-telangiectasia syndrome. Last evaluated: 2026-01-27. Review status: criteria provided, single submitter. Criteria: Invitae Variant Classification Sherloc (09022015). Collection method: clinical testing. Allele origin: germline.

Women's Health and Genetics/Laboratory Corporation of America, LabCorp
Classification: Likely benign. Last evaluated: 2025-04-15. Review status: criteria provided, single submitter. Criteria: LabCorp Variant Classification Summary - May 2015. Collection method: clinical testing. Allele origin: germline.

Myriad Genetics, Inc.
Classification: Likely benign for Familial cancer of breast. Last evaluated: 2024-04-17. Review status: criteria provided, single submitter. Criteria: Myriad Autosomal Dominant, Autosomal Recessive and X-Linked Classification Criteria (2023). Collection method: clinical testing. Allele origin: unknown.
Comment: This variant is considered likely benign. This variant is intronic and is not expected to impact mRNA splicing.

Color Diagnostics, LLC DBA Color Health
Classification: Likely benign for Hereditary cancer-predisposing syndrome. Last evaluated: 2017-02-01. Review status: criteria provided, single submitter. Criteria: ACMG Guidelines, 2015. Collection method: clinical testing. Allele origin: germline.

NM_000051.4(ATM):c.185+8A>G

Gene: ATM (ATM serine/threonine kinase; plus strand). Cytogenetic location: 11q22.3.
Variant type: single nucleotide variant.
Coding change: c.185+8A>G on transcript NM_000051.4 (MANE Select); 8 bases into the intron after coding-DNA position 185, A replaced by G.
Molecular consequence: intron variant.
Genome position (GRCh38, 1-based): chr11:108,227,896, A>G. VCF-style: chr11-108227896-A-G. GRCh37 (hg19) VCF-style: chr11-108098623-A-G.
Other names: c.185+8A>G (NM_001351834.2, NM_001351835.2, NM_001351836.2).
Identifiers: ClinVar variation 414614 (VCV000414614.16), dbSNP rs753891198, ClinGen allele CA6264521.
Genomic context (GRCh38, chr11:108,227,896, plus strand): 5'-CGGCATTCAGATTCCAAACAAGGAAAATATTTGAATTGGGATGCTGTTTTTAGGTATTCT[A>G]TTCAAATTTATTTTACTGTCTTTATTTTTCTCTTTCATATTTATTTCTGTTGTGATATTA-3'